The following is an entry in ClinVar:

NM_000257.4(MYH7):c.4270G>A (p.Glu1424Lys)

Genes: MHRT (myosin heavy chain associated RNA transcript; plus strand), MYH7 (myosin heavy chain 7; minus strand). Cytogenetic location: 14q11.2.
Variant type: single nucleotide variant.
Coding change: c.4270G>A on transcript NM_000257.4 (MANE Select); coding-DNA position 4270, G replaced by A.
Protein change: p.Glu1424Lys; replaces glutamic acid 1424 with lysine.
Molecular consequence: missense variant. On other transcripts: non-coding transcript variant (1).
Genome position (GRCh38, 1-based): chr14:23,417,586, C>T on the plus strand (G>A on the coding strand, the complement: MYH7 is on the minus strand). VCF-style: chr14-23417586-C-T. GRCh37 (hg19) VCF-style: chr14-23886795-C-T.
Other names: p.E1424K:GAG>AAG; c.4270G>A (LRG_384t1); short protein forms E1424K.
Identifiers: ClinVar variation 181252 (VCV000181252.7), dbSNP rs730880798, ClinGen allele CA014734.

ClinVar aggregate classification (germline): Uncertain significance. Review status: criteria provided, multiple submitters, no conflicts (2 of 4 stars). 2 submissions from 2 submitters: Uncertain significance (2). Last evaluated 2023-08-28.

Conditions:
Hypertrophic cardiomyopathy. Also called: HYPERTROPHIC MYOCARDIOPATHY. Identifiers: Orphanet 217569, MedGen C0007194, MeSH D002312, MONDO:0005045, HP:0001639.

Submissions (2):

Labcorp Genetics (formerly Invitae), Labcorp
Classification: Uncertain significance for Hypertrophic cardiomyopathy. Last evaluated: 2023-08-28. Review status: criteria provided, single submitter. Criteria: Invitae Variant Classification Sherloc (09022015). Collection method: clinical testing. Allele origin: germline.
Comment: In summary, the available evidence is currently insufficient to determine the role of this variant in disease. Therefore, it has been classified as a Variant of Uncertain Significance. Advanced modeling of protein sequence and biophysical properties (such as structural, functional, and spatial information, amino acid conservation, physicochemical variation, residue mobility, and thermodynamic stability) performed at Invitae indicates that this missense variant is expected to disrupt MYH7 protein function. ClinVar contains an entry for this variant (Variation ID: 181252). This variant has not been reported in the literature in individuals affected with MYH7-related conditions. This variant is not present in population databases (gnomAD no frequency). This sequence change replaces glutamic acid, which is acidic and polar, with lysine, which is basic and polar, at codon 1424 of the MYH7 protein (p.Glu1424Lys).

GeneDx
Classification: Uncertain significance. Last evaluated: 2020-11-23. Review status: criteria provided, single submitter. Criteria: GeneDx Variant Classification Process June 2021. Collection method: clinical testing. Allele origin: germline. Affected: yes.
Comment: Not observed in large population cohorts (Lek et al., 2016); In silico analysis supports that this missense variant has a deleterious effect on protein structure/function; Has not been previously published as pathogenic or benign to our knowledge